The following is an entry in ClinVar:

ClinVar aggregate classification (germline): Uncertain significance (1 of 4 stars; one submission).

gnomAD v4.1: 41 of 1,613,770 alleles (0.0025%); highest among the groups gnomAD compares: South Asian, 0.0088%; no homozygotes.

Submission:

CeGaT Center for Human Genetics Tuebingen
Classification: Uncertain significance. Last evaluated: 2026-06-01. Review status: criteria provided, single submitter. Criteria: CeGaT Center For Human Genetics Tuebingen Variant Classification Criteria Version 2. Collection method: clinical testing. Allele origin: germline. Affected: yes. Observed: 1 variant allele.
Comment: GRM7: PM2, PM3:Supporting, PP3

NM_000844.4(GRM7):c.1841G>A (p.Arg614His)

Gene: GRM7 (glutamate metabotropic receptor 7; plus strand). Cytogenetic location: 3p26.1.
Variant type: single nucleotide variant.
Coding change: c.1841G>A on transcript NM_000844.4 (MANE Select); coding-DNA position 1841, G replaced by A.
Protein change: p.Arg614His; replaces arginine 614 with histidine.
Molecular consequence: missense variant.
Genome position (GRCh38, 1-based): chr3:7,578,747, G>A. VCF-style: chr3-7578747-G-A. GRCh37 (hg19) VCF-style: chr3-7620434-G-A.
Other names: c.1841G>A, p.Arg614His (NM_181874.3); short protein forms R614H.
Identifiers: ClinVar variation 4873917 (VCV004873917.2).